The following is an entry in ClinVar:

ClinVar aggregate classification (germline): Likely benign. Review status: criteria provided, single submitter (1 of 4 stars). 2 submissions from 2 submitters: Likely benign (1). 1 of the submissions does not count toward it. Last evaluated 2022-12-04.

Conditions:
AKT2-related disorder. Also called: AKT2-related condition.
Type 2 diabetes mellitus. Also called: Type II diabetes mellitus. Identifiers: MedGen C0011860, MeSH D003924, MONDO:0005148, OMIM 125853, HP:0005978.
Hypoinsulinemic hypoglycemia and body hemihypertrophy. Also called: Hypoinsulinemic hypoglycemia and hemihypertrophy. Identifiers: Orphanet 293964, MedGen C3278384, MONDO:0009416, OMIM 240900.

Allele frequency attached by ClinVar (database versions not stated): ESP Exome Variant Server 0.00015.
gnomAD v4.1: 27 of 1,613,928 alleles (0.0017%); highest among the groups gnomAD compares: African/African-American, 0.0053%; no homozygotes.

Submissions (2):

Labcorp Genetics (formerly Invitae), Labcorp
Classification: Likely benign for Hypoinsulinemic hypoglycemia and body hemihypertrophy; Type 2 diabetes mellitus. Last evaluated: 2022-12-04. Review status: criteria provided, single submitter. Criteria: Invitae Variant Classification Sherloc (09022015). Collection method: clinical testing. Allele origin: germline.

PreventionGenetics, part of Exact Sciences
Classification: Likely benign for AKT2-related condition. Last evaluated: 2022-10-21. Review status: no assertion criteria provided. Collection method: clinical testing. Allele origin: germline. Not counted in ClinVar's aggregate classification.
Comment: This variant is classified as likely benign based on ACMG/AMP sequence variant interpretation guidelines (Richards et al. 2015 PMID: 25741868, with internal and published modifications).

NM_001626.6(AKT2):c.708+8G>A

Gene: AKT2 (AKT serine/threonine kinase 2; minus strand). Cytogenetic location: 19q13.2.
Variant type: single nucleotide variant.
Coding change: c.708+8G>A on transcript NM_001626.6 (MANE Select); 8 bases into the intron after coding-DNA position 708, G replaced by A.
Molecular consequence: intron variant.
Genome position (GRCh38, 1-based): chr19:40,238,897, C>T on the plus strand (G>A on the coding strand, the complement: AKT2 is on the minus strand). VCF-style: chr19-40238897-C-T. GRCh37 (hg19) VCF-style: chr19-40744804-C-T.
Other names: c.522+8G>A (NM_001243028.3, NM_001243027.3); c.708+8G>A (NM_001330511.1, NM_001626.5).
Identifiers: ClinVar variation 2931125 (VCV002931125.5), dbSNP rs185154487, ClinGen allele CA9441720.
Genomic context (GRCh38, chr19:40,238,897, plus strand): 5'-CCTCTCCATCCCGCCCCACCCTAAAGAAGGAGGCCCCAGAGGGCAAAGTCAAGGCAGCCG[C>T]GGCTCACCTCACCCCCGTTGGCATACTCCATCACAAAGCACAGGCGGTCGTGGGTCTGGA-3'